The following is an entry in ClinVar:

ClinVar aggregate classification (germline): Likely benign (1 of 4 stars; one submission).

Conditions:
SLC10A1-related disorder. Also called: SLC10A1-related condition.

Submission:

PreventionGenetics, part of Exact Sciences
Classification: Likely benign for SLC10A1-related condition. Last evaluated: 2026-01-23. Review status: criteria provided, single submitter. Criteria: ACMG Guidelines, 2015. Collection method: clinical testing. Allele origin: germline.
Comment: This variant is classified as likely benign based on ACMG/AMP sequence variant interpretation guidelines (Richards et al. 2015 PMID: 25741868, with internal and published modifications).

NM_003049.4(SLC10A1):c.356+7C>A

Gene: SLC10A1 (solute carrier family 10 member 1; minus strand). Cytogenetic location: 14q24.1.
Variant type: single nucleotide variant.
Coding change: c.356+7C>A on transcript NM_003049.4 (MANE Select); 7 bases into the intron after coding-DNA position 356, C replaced by A.
Molecular consequence: intron variant.
Genome position (GRCh38, 1-based): chr14:69,796,793, G>T on the plus strand (C>A on the coding strand, the complement: SLC10A1 is on the minus strand). VCF-style: chr14-69796793-G-T. GRCh37 (hg19) VCF-style: chr14-70263510-G-T.
Identifiers: ClinVar variation 4987647 (VCV004987647.1).